The following is an entry in ClinVar:

ClinVar aggregate classification (germline): Pathogenic/Likely pathogenic. Review status: criteria provided, multiple submitters, no conflicts (2 of 4 stars). 4 submissions from 4 submitters: Pathogenic (1); Likely pathogenic (3). Last evaluated 2026-04-12.

Conditions:
CLCN1-related disorder. Also called: CLCN1-related condition.
Congenital myotonia, autosomal recessive form. Also called: BECKER DISEASE; myotonia congenita, autosomal recessive; Becker Generalized Myotonia. Identifiers: Orphanet 614, MedGen C0751360, MONDO:0009715, OMIM 255700.
Congenital myotonia, autosomal dominant form (THD). Also called: THOMSEN DISEASE; Myotonia congenita autosomal dominant. Identifiers: Orphanet 614, MedGen C2936781, MONDO:0008055, OMIM 160800.

Submissions (4):

Dasa
Classification: Likely pathogenic. Last evaluated: 2026-04-12. Review status: criteria provided, single submitter. Criteria: DASA Assertion Criteria. Collection method: clinical testing. Allele origin: germline.
Comment: NM_000083.3(CLCN1):c.1966del (p.Glu656Asnfs*138) introduces a premature termination codon predicted to result in loss of normal protein function. Loss-of-function is an established mechanism of disease for this gene. This variant has been reported in individuals with related phenotype (PMID: 37688281). The variant is present at low frequency in population datasets. Based on the available data, this variant is classified as likely pathogenic.

Labcorp Genetics (formerly Invitae), Labcorp
Classification: Pathogenic for Congenital myotonia, autosomal recessive form; Congenital myotonia, autosomal dominant form. Last evaluated: 2024-09-29. Review status: criteria provided, single submitter. Criteria: Invitae Variant Classification Sherloc (09022015). Collection method: clinical testing. Allele origin: germline.
Comment: This sequence change creates a premature translational stop signal (p.Glu656Asnfs*138) in the CLCN1 gene. It is expected to result in an absent or disrupted protein product. Loss-of-function variants in CLCN1 are known to be pathogenic (PMID: 17932099, 22094069, 23739125). This variant is not present in population databases (gnomAD no frequency). This variant has not been reported in the literature in individuals affected with CLCN1-related conditions. ClinVar contains an entry for this variant (Variation ID: 817974). For these reasons, this variant has been classified as Pathogenic.

Blueprint Genetics
Classification: Likely pathogenic for CLCN1-related disorders. Last evaluated: 2022-08-08. Review status: criteria provided, single submitter. Criteria: ACMG Guidelines, 2015. Collection method: clinical testing. Allele origin: germline. Affected: yes. Observed: 1 variant allele.

GeneDx
Classification: Likely pathogenic. Last evaluated: 2019-10-22. Review status: criteria provided, single submitter. Criteria: GeneDx Variant Classification Process June 2021. Collection method: clinical testing. Allele origin: germline. Affected: yes.
Comment: Has not been previously published as pathogenic or benign to our knowledge; Not observed in large population cohorts (Lek et al., 2016); Frameshift variant predicted to result in protein truncation or nonsense mediated decay in a gene for which loss-of-function is a known mechanism of disease

Literature cited by the submitters: PubMed 37688281 (cited by Dasa); PubMed 17932099 (cited by Labcorp Genetics (formerly Invitae), Labcorp); PubMed 22094069 (cited by Labcorp Genetics (formerly Invitae), Labcorp); PubMed 23739125 (cited by Labcorp Genetics (formerly Invitae), Labcorp).

NM_000083.3(CLCN1):c.1966del (p.Glu656fs)

Genes: CLCN1 (chloride voltage-gated channel 1; plus strand), LOC123956257 (Sharpr-MPRA regulatory region 4117; plus strand). Cytogenetic location: 7q34.
Variant type: Deletion.
Coding change: c.1966del on transcript NM_000083.3 (MANE Select); coding-DNA position 1966, one base deleted (G; older notation c.1966delG).
Protein change: p.Glu656fs; shifts the reading frame from glutamic acid 656.
Molecular consequence: frameshift variant. On other transcripts: non-coding transcript variant (1).
Genome position (GRCh38, 1-based): chr7:143,345,556, G deleted; the last of 2 consecutive G bases (chr7:143,345,555-143,345,556); deleting either gives the same sequence. VCF-style (leftmost placement, unchanged base first): chr7-143345554-CG-C. GRCh37 (hg19) VCF-style: chr7-143042647-CG-C.
Other names: c.1966del (NM_000083.2); short protein forms E656fs.
Identifiers: ClinVar variation 817974 (VCV000817974.13), dbSNP rs1586514992, ClinGen allele CA915945538.
Genomic context (GRCh38, chr7:143,345,554, plus strand): 5'-CTCAGGCAGGGCGTGGGTTTCCCTCAGATTCAATGATCCTGCTGGGCTCGGTGGAGCGGT[CG>C]GAACTGCAGGCCCTCCTGCAGCGCCACCTGTGTCCTGAGCGCAGGCTGCGCGCAGCCCAA-3'